The following is an entry in ClinVar:

ClinVar aggregate classification (germline): Uncertain significance (1 of 4 stars; one submission).

gnomAD v4.1: 3 of 1,203,247 alleles (0.00025%); highest among the groups gnomAD compares: Non-Finnish European, 0.00034%; no homozygotes.

Submission:

Labcorp Genetics (formerly Invitae), Labcorp
Classification: Uncertain significance. Last evaluated: 2024-05-20. Review status: criteria provided, single submitter. Criteria: Invitae Variant Classification Sherloc (09022015). Collection method: clinical testing. Allele origin: germline.
Comment: This sequence change replaces proline, which is neutral and non-polar, with arginine, which is basic and polar, at codon 304 of the COL4A6 protein (p.Pro304Arg). This variant is not present in population databases (gnomAD no frequency). This variant has not been reported in the literature in individuals affected with COL4A6-related conditions. ClinVar contains an entry for this variant (Variation ID: 1937573). Advanced modeling of protein sequence and biophysical properties (such as structural, functional, and spatial information, amino acid conservation, physicochemical variation, residue mobility, and thermodynamic stability) performed at Invitae indicates that this missense variant is not expected to disrupt COL4A6 protein function with a negative predictive value of 80%. In summary, the available evidence is currently insufficient to determine the role of this variant in disease. Therefore, it has been classified as a Variant of Uncertain Significance.

NM_033641.4(COL4A6):c.908C>G (p.Pro303Arg)

Gene: COL4A6 (collagen type IV alpha 6 chain; minus strand). Cytogenetic location: Xq22.3.
Variant type: single nucleotide variant.
Coding change: c.908C>G on transcript NM_033641.4 (MANE Select); coding-DNA position 908, C replaced by G.
Protein change: p.Pro303Arg; replaces proline 303 with arginine.
Molecular consequence: missense variant.
Genome position (GRCh38, 1-based): chrX:108,195,122, G>C on the plus strand (C>G on the coding strand, the complement: COL4A6 is on the minus strand). VCF-style: chrX-108195122-G-C. GRCh37 (hg19) VCF-style: chrX-107438352-G-C.
Other names: c.911C>G, p.Pro304Arg (NM_001847.4); c.908C>G, p.Pro303Arg (NM_001287758.2, NM_001287759.2, NM_001287760.2); short protein forms P303R, P304R.
Identifiers: ClinVar variation 1937573 (VCV001937573.5), dbSNP rs751040420, ClinGen allele CA413862123.